The following is an entry in ClinVar:

NM_019045.5(WDR44):c.465G>A (p.Thr155=)

Gene: WDR44 (WD repeat domain 44; plus strand). Cytogenetic location: Xq24.
Variant type: single nucleotide variant.
Coding change: c.465G>A on transcript NM_019045.5 (MANE Select); coding-DNA position 465, G replaced by A.
Protein change: p.Thr155=; no amino-acid change (threonine 155 retained).
Molecular consequence: synonymous variant.
Genome position (GRCh38, 1-based): chrX:118,392,910, G>A. VCF-style: chrX-118392910-G-A. GRCh37 (hg19) VCF-style: chrX-117526873-G-A.
Other names: c.465G>A, p.Thr155= (NM_001184965.2); c.390G>A, p.Thr130= (NM_001184966.1).
Identifiers: ClinVar variation 2661262 (VCV002661262.24), dbSNP rs754531557, ClinGen allele CA10498258.

ClinVar aggregate classification (germline): Likely benign (1 of 4 stars; one submission).

Allele frequency attached by ClinVar (database versions not stated): gnomAD 0.00001; gnomAD exomes 0.00001; ExAC 0.00002; TOPMed 0.00003.
gnomAD v4.1: 12 of 1,210,868 alleles (0.00099%); highest among the groups gnomAD compares: Admixed American, 0.0022%; no homozygotes.

Submission:

CeGaT Center for Human Genetics Tuebingen
Classification: Likely benign. Last evaluated: 2023-01-01. Review status: criteria provided, single submitter. Criteria: CeGaT Center For Human Genetics Tuebingen Variant Classification Criteria Version 2. Collection method: clinical testing. Allele origin: germline. Affected: yes. Observed: 1 variant allele.
Comment: WDR44: BP4, BP7, BS2